The following is an entry in ClinVar:

NM_000288.4(PEX7):c.-44G>A

Gene: PEX7 (peroxisomal biogenesis factor 7; plus strand). Cytogenetic location: 6q23.3.
Variant type: single nucleotide variant.
Coding change: c.-44G>A on transcript NM_000288.4 (MANE Select); 44 bases upstream of the start codon, G replaced by A.
Molecular consequence: 5 prime UTR variant.
Genome position (GRCh38, 1-based): chr6:136,822,622, G>A. VCF-style: chr6-136822622-G-A. GRCh37 (hg19) VCF-style: chr6-137143760-G-A.
Identifiers: ClinVar variation 511998 (VCV000511998.1), dbSNP rs1205307245, ClinGen allele CA570743712.

ClinVar aggregate classification (germline): Likely benign (1 of 4 stars; one submission).

Allele frequency attached by ClinVar (database versions not stated): TOPMed 0.00003; gnomAD 0.00004 and 0.00005; gnomAD exomes 0.00004 and 0.00006.
gnomAD v4.1: 93 of 1,512,764 alleles (0.0061%); highest among the groups gnomAD compares: Non-Finnish European, 0.0076%; no homozygotes.

Submission:

GeneDx
Classification: Likely benign. Last evaluated: 2017-09-08. Review status: criteria provided, single submitter. Criteria: GeneDx Variant Classification (06012015). Collection method: clinical testing. Allele origin: germline. Affected: yes.
Comment: This variant is considered likely benign or benign based on one or more of the following criteria: it is a conservative change, it occurs at a poorly conserved position in the protein, it is predicted to be benign by multiple in silico algorithms, and/or has population frequency not consistent with disease.